The following is an entry in ClinVar:

NM_001005242.3(PKP2):c.1379-2054C>G

Gene: PKP2 (plakophilin 2; minus strand). Cytogenetic location: 12p11.21.
Variant type: single nucleotide variant.
Coding change: c.1379-2054C>G on transcript NM_001005242.3 (MANE Select); 2054 bases into the intron before coding-DNA position 1379, C replaced by G.
Molecular consequence: intron variant. On other transcripts: missense variant (2).
Genome position (GRCh38, 1-based): chr12:32,843,259, G>C on the plus strand (C>G on the coding strand, the complement: PKP2 is on the minus strand). VCF-style: chr12-32843259-G-C. GRCh37 (hg19) VCF-style: chr12-32996193-G-C.
Other names: c.1433C>G, p.Ala478Gly (NM_001407157.1, NM_004572.4); c.1379-2054C>G (NM_001407156.1, NM_001407155.1, NM_001407161.1); c.1052-2054C>G (NM_001407160.1, NM_001407159.1, NM_001407158.1 and 1 more transcripts); short protein forms A478G.
Identifiers: ClinVar variation 3070884 (VCV003070884.1), dbSNP rs144620127, ClinGen allele CA384368698.
Genomic context (GRCh38, chr12:32,843,259, plus strand): 5'-TCTCGAACTCCTGACCTCGTGATCCGCCCGCCTTGGCCTCCCAAAGTGCTGGGATTACAG[G>C]CGTGAGCCACCGCGCCCGGCCAGCCATTCCTACTTCTTAAATTGACTGTATGGTCTGTAC-3'

ClinVar aggregate classification (germline): Uncertain significance (1 of 4 stars; one submission).

Conditions:
Arrhythmogenic right ventricular cardiomyopathy (ARVD). Also called: Arrhythmogenic right ventricular dysplasia; Cardiomyopathy, ARVC; Arrhythmogenic cardiomyopathy; Arrhythmogenic Right Ventricular Cardiomyopathy (ARVC). Identifiers: Orphanet 247, MedGen C0349788, MeSH D019571, MONDO:0016587. Disease mechanism: loss of function. Inheritance: Various modes of inheritance.

Submission:

All of Us Research Program, National Institutes of Health
Classification: Uncertain significance for Arrhythmogenic right ventricular cardiomyopathy. Last evaluated: 2023-05-04. Review status: criteria provided, single submitter. Criteria: ACMG Guidelines, 2015. Collection method: clinical testing. Allele origin: germline. Inheritance: Autosomal dominant inheritance. Observed: 1 variant allele, 1 heterozygote.
Comment: This missense variant replaces alanine with glycine at codon 478 of the PKP2 protein. Computational prediction suggests that this variant may not impact protein structure and function (internally defined REVEL score threshold <= 0.5, PMID: 27666373). To our knowledge, functional studies have not been reported for this variant. This variant has not been reported in individuals affected with PKP2-related disorders in the literature. This variant has not been identified in the general population by the Genome Aggregation Database (gnomAD). The available evidence is insufficient to determine the role of this variant in disease conclusively. Therefore, this variant is classified as a Variant of Uncertain Significance.

This study involves interpretation of variants in research participants for the purpose of population health screening. Participant phenotype was not available at the time of variant classification. Additional details can be found in publication PMID: 35346344, PMCID: PMC8962531